The following is an entry in ClinVar:

ClinVar aggregate classification (germline): Uncertain significance (1 of 4 stars; one submission).

Conditions:
Peroxisome biogenesis disorder 2B (PBD2B). Identifiers: Orphanet 44, MedGen C3550234, MONDO:0008736, OMIM 202370.

Allele frequency attached by ClinVar (database versions not stated): gnomAD 0.00001; gnomAD exomes 0.00001; TOPMed 0.00001.
gnomAD v4.1: 10 of 1,613,850 alleles (0.00062%); highest among the groups gnomAD compares: African/African-American, 0.0013%; no homozygotes.

Submission:

Labcorp Genetics (formerly Invitae), Labcorp
Classification: Uncertain significance for Peroxisome biogenesis disorder 2B. Last evaluated: 2025-08-08. Review status: criteria provided, single submitter. Criteria: Invitae Variant Classification Sherloc (09022015). Collection method: clinical testing. Allele origin: germline.
Comment: This sequence change replaces glycine, which is neutral and non-polar, with serine, which is neutral and polar, at codon 453 of the PEX5 protein (p.Gly453Ser). This variant is present in population databases (no rsID available, gnomAD 0.007%). This variant has not been reported in the literature in individuals affected with PEX5-related conditions. ClinVar contains an entry for this variant (Variation ID: 1406284). An algorithm developed to predict the effect of missense changes on protein structure and function (PolyPhen-2) suggests that this variant is likely to be tolerated. In summary, the available evidence is currently insufficient to determine the role of this variant in disease. Therefore, it has been classified as a Variant of Uncertain Significance.

NM_001351132.2(PEX5):c.1357G>A (p.Gly453Ser)

Gene: PEX5 (peroxisomal biogenesis factor 5; plus strand). Cytogenetic location: 12p13.31.
Variant type: single nucleotide variant.
Coding change: c.1357G>A on transcript NM_001351132.2 (MANE Select); coding-DNA position 1357, G replaced by A.
Protein change: p.Gly453Ser; replaces glycine 453 with serine.
Molecular consequence: missense variant.
Genome position (GRCh38, 1-based): chr12:7,208,632, G>A. VCF-style: chr12-7208632-G-A. GRCh37 (hg19) VCF-style: chr12-7361228-G-A.
Other names: c.1333G>A, p.Gly445Ser (NM_000319.5); c.1402G>A, p.Gly468Ser (NM_001131023.2); c.1246G>A, p.Gly416Ser (NM_001131024.2, NM_001351124.3, NM_001351126.2 and 7 more transcripts); c.1357G>A, p.Gly453Ser (NM_001131025.2, NM_001131026.2, NM_001300789.3 and 4 more transcripts); c.1291G>A, p.Gly431Ser (NM_001351135.3, NM_001351138.2); c.1348G>A, p.Gly450Ser (NM_001351136.2); c.1222G>A, p.Gly408Ser (NM_001351139.2, NM_001351140.2, NM_001374649.2); short protein forms G416S, G445S, G408S, G431S, G450S, G468S, G453S.
Identifiers: ClinVar variation 1406284 (VCV001406284.7), dbSNP rs1190413911, ClinGen allele CA383733929.